The following is an entry in ClinVar:

ClinVar aggregate classification (germline): Uncertain significance (1 of 4 stars; one submission).

Allele frequency attached by ClinVar (database versions not stated): gnomAD exomes below 0.00001.
gnomAD v4.1: 2 of 1,612,446 alleles (0.00012%); highest among the groups gnomAD compares: Non-Finnish European, 0.00017%; no homozygotes.

Submission:

Labcorp Genetics (formerly Invitae), Labcorp
Classification: Uncertain significance. Last evaluated: 2022-02-22. Review status: criteria provided, single submitter. Criteria: Invitae Variant Classification Sherloc (09022015). Collection method: clinical testing. Allele origin: germline.
Comment: This variant has not been reported in the literature in individuals affected with PPCS-related conditions. This variant is present in population databases (no rsID available, gnomAD 0.0009%). This sequence change replaces proline, which is neutral and non-polar, with leucine, which is neutral and non-polar, at codon 110 of the PPCS protein (p.Pro110Leu). Algorithms developed to predict the effect of missense changes on protein structure and function (SIFT, PolyPhen-2, Align-GVGD) all suggest that this variant is likely to be tolerated. In summary, the available evidence is currently insufficient to determine the role of this variant in disease. Therefore, it has been classified as a Variant of Uncertain Significance.

NM_024664.4(PPCS):c.329C>T (p.Pro110Leu)

Genes: CCDC30 (coiled-coil domain containing 30; plus strand), PPCS (phosphopantothenoylcysteine synthetase; plus strand). Cytogenetic location: 1p34.2.
Variant type: single nucleotide variant.
Coding change: c.329C>T on transcript NM_024664.4 (MANE Select); coding-DNA position 329, C replaced by T.
Protein change: p.Pro110Leu; replaces proline 110 with leucine.
Molecular consequence: missense variant. On other transcripts: 5 prime UTR variant (1), intron variant (6).
Genome position (GRCh38, 1-based): chr1:42,456,894, C>T. VCF-style: chr1-42456894-C-T. GRCh37 (hg19) VCF-style: chr1-42922565-C-T.
Other names: c.-364C>T (NM_001287510.2); c.329C>T, p.Pro110Leu (NM_001287511.2); c.-983-353C>T (NM_001355226.2); c.-327-353C>T (NM_001287507.1); c.-11-353C>T (NM_001287506.1); c.-12+170C>T (NM_001287508.2); c.-12+266C>T (NM_001077447.3); c.-12+311C>T (NM_001287509.2); short protein forms P110L.
Identifiers: ClinVar variation 1480790 (VCV001480790.7), dbSNP rs1291974534, ClinGen allele CA339945247.